The following is an entry in ClinVar:

ClinVar aggregate classification (germline): Likely pathogenic (1 of 4 stars; one submission).

Conditions:
Autosomal recessive Alport syndrome (ATS2). Also called: Alport syndrome type 2; COL4A4 Alport Syndrome and Thin Basement Membrane Nephropathy; ALPORT SYNDROME 2, AUTOSOMAL RECESSIVE; COL4A3-Related Nephropathy. Identifiers: Orphanet 63, Orphanet 88919, MedGen C4746745, MONDO:0008762, OMIM 203780.

Submission:

Myriad Genetics, Inc.
Classification: Likely pathogenic for Autosomal recessive Alport syndrome. Last evaluated: 2021-12-16. Review status: criteria provided, single submitter. Criteria: Myriad Women's Health Autosomal Recessive and X-Linked Classification Criteria (2021). Collection method: clinical testing. Allele origin: unknown.
Comment: NM_000091.4(COL4A3):c.1507A>T(R503*) is expected to be pathogenic in the context of COL4A3-related Alport syndrome. This variant is predicted to lead to an abnormal or absent protein product due to the creation of a premature termination codon in COL4A3, a gene where loss-of-function variants are known to be pathogenic. Please note: this variant was assessed in the context of healthy population screening.

NM_000091.5(COL4A3):c.1507A>T (p.Arg503Ter)

Genes: COL4A3 (collagen type IV alpha 3 chain; plus strand), MFF-DT (MFF divergent transcript; minus strand). Cytogenetic location: 2q36.3.
Variant type: single nucleotide variant.
Coding change: c.1507A>T on transcript NM_000091.5 (MANE Select); coding-DNA position 1507, A replaced by T.
Protein change: p.Arg503Ter; replaces arginine 503 with a stop codon.
Molecular consequence: nonsense.
Genome position (GRCh38, 1-based): chr2:227,269,912, A>T. VCF-style: chr2-227269912-A-T. GRCh37 (hg19) VCF-style: chr2-228134628-A-T.
Other names: short protein forms R503*.
Identifiers: ClinVar variation 1726361 (VCV001726361.2), dbSNP rs2071139043, ClinGen allele CA350871086.